The following is an entry in ClinVar:

NM_005502.4(ABCA1):c.3395A>G (p.Lys1132Arg)

Gene: ABCA1 (ATP binding cassette subfamily A member 1; minus strand). Cytogenetic location: 9q31.1.
Variant type: single nucleotide variant.
Coding change: c.3395A>G on transcript NM_005502.4 (MANE Select); coding-DNA position 3395, A replaced by G.
Protein change: p.Lys1132Arg; replaces lysine 1132 with arginine.
Molecular consequence: missense variant.
Genome position (GRCh38, 1-based): chr9:104,818,730, T>C on the plus strand (A>G on the coding strand, the complement: ABCA1 is on the minus strand). VCF-style: chr9-104818730-T-C. GRCh37 (hg19) VCF-style: chr9-107581011-T-C.
Other names: short protein forms K1132R.
Identifiers: ClinVar variation 4843946 (VCV004843946.1).

ClinVar aggregate classification (germline): Uncertain significance (1 of 4 stars; one submission).

Conditions:
Cardiovascular phenotype. Identifiers: MedGen CN230736.

Submission:

Ambry Genetics
Classification: Uncertain significance for Cardiovascular phenotype. Last evaluated: 2025-12-21. Review status: criteria provided, single submitter. Criteria: Ambry Variant Classification Scheme 2023. Collection method: clinical testing. Allele origin: germline.
Comment: The p.K1132R variant (also known as c.3395A>G), located in coding exon 22 of the ABCA1 gene, results from an A to G substitution at nucleotide position 3395. The lysine at codon 1132 is replaced by arginine, an amino acid with highly similar properties. This amino acid position is conserved. In addition, the in silico prediction for this alteration is inconclusive. Based on the available evidence, the clinical significance of this variant remains unclear.